The following is an entry in ClinVar:

NM_000038.6(APC):c.450A>G (p.Lys150=)

Gene: APC (APC regulator of Wnt signaling pathway; plus strand). Cytogenetic location: 5q22.2.
Variant type: single nucleotide variant.
Coding change: c.450A>G on transcript NM_000038.6 (MANE Select); coding-DNA position 450, A replaced by G.
Protein change: p.Lys150=; no amino-acid change (lysine 150 retained).
Molecular consequence: synonymous variant. On other transcripts: 5 prime UTR variant (1).
Genome position (GRCh38, 1-based): chr5:112,775,656, A>G. VCF-style: chr5-112775656-A-G. GRCh37 (hg19) VCF-style: chr5-112111353-A-G.
Other names: p.K150K:AAA>AAG; c.450A>G, p.Lys150= (NM_001127510.3, NM_001354895.2, NM_001354896.2 and 2 more transcripts); c.480A>G, p.Lys160= (NM_001127511.3, NM_001354897.2, NM_001354902.2); c.375A>G, p.Lys125= (NM_001354898.2, NM_001354904.2); c.273A>G, p.Lys91= (NM_001354900.2, NM_001354901.2, NM_001354905.2); c.-586A>G (NM_001354906.2).
Identifiers: ClinVar variation 181782 (VCV000181782.59), dbSNP rs116020626, ClinGen allele CA009598.

ClinVar aggregate classification (germline): Conflicting classifications of pathogenicity. Review status: criteria provided, conflicting classifications (1 of 4 stars). 20 submissions from 20 submitters: Uncertain significance (1); Benign (5); Likely benign (7). 7 of the submissions do not count toward it. Last evaluated 2026-06-01.

Conditions:
Classic or attenuated familial adenomatous polyposis. Identifiers: MedGen CN372698, MONDO:0021057.
APC-Associated Polyposis Disorders.
Hereditary cancer-predisposing syndrome. Also called: Tumor predisposition; Neoplastic Syndromes, Hereditary; Hereditary Cancer Syndrome; Hereditary neoplastic syndrome. Identifiers: Orphanet 140162, MedGen C0027672, MeSH D009386, MONDO:0015356.
Familial adenomatous polyposis 1 (FAP1). Also called: POLYPOSIS, ADENOMATOUS INTESTINAL; FAMILIAL ADENOMATOUS POLYPOSIS 1, ATTENUATED. Identifiers: MedGen C2713442, MONDO:0021056, OMIM 175100. Disease mechanism: loss of function.
Carcinoma of colon (CRC). Also called: Colon carcinoma; Colonic carcinoma. Identifiers: MedGen C0699790, MONDO:0002032.

Allele frequency attached by ClinVar (database versions not stated): gnomAD 0.00013 and 0.00012; gnomAD exomes 0.00016 and 0.00024; ESP Exome Variant Server 0.00031; 1000 Genomes Project 0.00040; 1000 Genomes Project 30x 0.00062; TOPMed 0.00010; ExAC 0.00012.
gnomAD v4.1: 371 of 1,608,332 alleles (0.023%); highest among the groups gnomAD compares: Non-Finnish European, 0.03%; no homozygotes.

Submissions (20):

CeGaT Center for Human Genetics Tuebingen
Classification: Likely benign. Last evaluated: 2026-06-01. Review status: criteria provided, single submitter. Criteria: CeGaT Center For Human Genetics Tuebingen Variant Classification Criteria Version 2. Collection method: clinical testing. Allele origin: germline. Affected: yes. Observed: 1 variant allele.
Comment: APC: BP4

Labcorp Genetics (formerly Invitae), Labcorp
Classification: Likely benign for Familial adenomatous polyposis 1. Last evaluated: 2026-02-03. Review status: criteria provided, single submitter. Criteria: Invitae Variant Classification Sherloc (09022015). Collection method: clinical testing. Allele origin: germline.

Center for Genomic Medicine, Rigshospitalet, Copenhagen University Hospital
Classification: Likely benign. Last evaluated: 2025-12-29. Review status: criteria provided, single submitter. Criteria: ACMG Guidelines, 2015. Collection method: clinical testing. Allele origin: germline.
Comment: Classification criteria: BS1

All of Us Research Program, National Institutes of Health
Classification: Benign for Classic or attenuated familial adenomatous polyposis. Last evaluated: 2024-01-11. Review status: criteria provided, single submitter. Criteria: ACMG Guidelines, 2015. Collection method: clinical testing. Allele origin: germline. Inheritance: Autosomal dominant inheritance. Observed: 44 variant alleles, 44 heterozygotes.
Comment: This study involves interpretation of variants in research participants for the purpose of population health screening. Participant phenotype was not available at the time of variant classification. Additional details can be found in publication PMID: 35346344, PMCID: PMC8962531

Blueprint Genetics
Classification: Likely benign. Last evaluated: 2023-11-07. Review status: criteria provided, single submitter. Criteria: ACMG Guidelines, 2015. Collection method: clinical testing. Allele origin: germline.

Myriad Genetics, Inc.
Classification: Benign for Familial adenomatous polyposis 1. Last evaluated: 2023-02-17. Review status: criteria provided, single submitter. Criteria: Myriad Autosomal Dominant, Autosomal Recessive and X-Linked Classification Criteria (2023). Collection method: clinical testing. Allele origin: unknown.
Comment: This variant is considered benign. This variant is a silent/synonymous amino acid change and it is not expected to impact splicing.

Sema4
Classification: Likely benign for Hereditary cancer-predisposing syndrome. Last evaluated: 2022-01-30. Review status: criteria provided, single submitter. Criteria: Sema4 Curation Guidelines. Collection method: curation. Allele origin: germline.

Mendelics
Classification: Likely benign for Familial adenomatous polyposis 1. Last evaluated: 2019-05-28. Review status: criteria provided, single submitter. Criteria: Mendelics Assertion Criteria 2017. Collection method: clinical testing. Allele origin: unknown.

Quest Diagnostics Nichols Institute San Juan Capistrano
Classification: Benign. Last evaluated: 2019-01-24. Review status: criteria provided, single submitter. Criteria: Quest Diagnostics criteria. Collection method: clinical testing. Allele origin: unknown.

Illumina Laboratory Services, Illumina
Classification: Uncertain significance for APC-Associated Polyposis Disorders. Last evaluated: 2018-01-12. Review status: criteria provided, single submitter. Criteria: ICSL Variant Classification Criteria 13 December 2019. Collection method: clinical testing. Allele origin: germline.

Color Diagnostics, LLC DBA Color Health
Classification: Benign for Hereditary cancer-predisposing syndrome. Last evaluated: 2016-03-18. Review status: criteria provided, single submitter. Criteria: ACMG Guidelines, 2015. Collection method: clinical testing. Allele origin: germline.

GeneDx
Classification: Benign. Last evaluated: 2014-08-29. Review status: criteria provided, single submitter. Criteria: GeneDx Variant Classification (06012015). Collection method: clinical testing. Allele origin: germline. Affected: yes.
Comment: This variant is considered likely benign or benign based on one or more of the following criteria: it is a conservative change, it occurs at a poorly conserved position in the protein, it is predicted to be benign by multiple in silico algorithms, and/or has population frequency not consistent with disease.

Ambry Genetics
Classification: Likely benign for Hereditary cancer-predisposing syndrome. Last evaluated: 2014-08-22. Review status: criteria provided, single submitter. Criteria: Ambry Variant Classification Scheme 2023. Collection method: clinical testing. Allele origin: germline.

True Health Diagnostics
Classification: Likely benign for Hereditary cancer-predisposing syndrome. Last evaluated: 2017-12-01. Review status: no assertion criteria provided. Collection method: clinical testing. Allele origin: germline. Not counted in ClinVar's aggregate classification.

Counsyl
Classification: Likely benign for Familial adenomatous polyposis 1. Last evaluated: 2016-07-25. Review status: no assertion criteria provided. Collection method: clinical testing. Allele origin: unknown. Not counted in ClinVar's aggregate classification.

Clinical Genetics, Academic Medical Center
Classification: Likely benign. Review status: no assertion criteria provided. Collection method: clinical testing. Allele origin: germline. Affected: yes. Study: VKGL Data-share Consensus. Not counted in ClinVar's aggregate classification.

Department of Pathology and Laboratory Medicine, Sinai Health System
Classification: Likely benign for Carcinoma of colon. Review status: no assertion criteria provided. Collection method: clinical testing. Allele origin: unknown. Affected: yes. Study: The Canadian Open Genetics Repository (COGR). Not counted in ClinVar's aggregate classification.
Comment: The APC p.Lys150Lys variant was identified in 1 of 3082 proband chromosomes (frequency: 0.0003) from individuals or families being evaluated for FAP (Kerr 2013). The variant was also identified in dbSNP (ID: rs116020626) â€šÃ„ÃºWith other alleleâ€šÃ„Ã¹, Clinvitae database (with conflicting interpretations), InSiGHT Colon Cancer Gene Variant Database (LOVD), ClinVar database (classification benign by GeneDx, and likely benign by Ambry Genetics and Invitae), and UMD (2x with a â€šÃ„Ãºlikely neutralâ€šÃ„Ã¹ classification, and co-occurring with a pathogenic APC mutation, c.1312+3A>G). This variant was also identified in the 1000 Genomes Project in 2 of 5000 chromosomes (frequency: 0.0004); HAPMAP-EUR in 2 of 1006 chromosomes (frequency: 0.002); NHLBI GO Exome Sequencing Project (ESP) in 4 of 8582 European American alleles, and the Exome Aggregation Consortium (ExAC) database (released Jan 13, 2015) in 14 of 66536 chromosomes (frequency: 0.0002) from a population of European (Non-Finnish) individuals. The p.Lys150Lys variant is not expected to have clinical significance because it does not result in a change of amino acid and is not located in a known consensus splice site. In addition, in silico or computational prediction software programs (SpliceSiteFinder, MaxEntScan, NNSPLICE, GeneSplicer, HumanSpliceFinder) do not predict a difference in splicing. In summary, based on the above information, the clinical significance of this variant cannot be determined with certainty at this time although we would lean towards a more benign role for this variant. This variant is classified as likely benign.

Diagnostic Laboratory, Department of Genetics, University Medical Center Groningen
Classification: Likely benign. Review status: no assertion criteria provided. Collection method: clinical testing. Allele origin: germline. Affected: yes. Study: VKGL Data-share Consensus. Not counted in ClinVar's aggregate classification.

Genome Diagnostics Laboratory, Amsterdam University Medical Center
Classification: Likely benign. Review status: no assertion criteria provided. Collection method: clinical testing. Allele origin: germline. Affected: yes. Study: VKGL Data-share Consensus. Not counted in ClinVar's aggregate classification.

Joint Genome Diagnostic Labs from Nijmegen and Maastricht, Radboudumc and MUMC+
Classification: Likely benign. Review status: no assertion criteria provided. Collection method: clinical testing. Allele origin: germline. Affected: yes. Study: VKGL Data-share Consensus. Not counted in ClinVar's aggregate classification.

Literature cited by the submitters: PubMed 24599579 (cited by Quest Diagnostics Nichols Institute San Juan Capistrano); PubMed 23159591 (cited by Quest Diagnostics Nichols Institute San Juan Capistrano and Ambry Genetics).